The following is an entry in ClinVar:

ClinVar aggregate classification (germline): Uncertain significance (1 of 4 stars; one submission).

Submission:

Labcorp Genetics (formerly Invitae), Labcorp
Classification: Uncertain significance. Last evaluated: 2023-01-22. Review status: criteria provided, single submitter. Criteria: Invitae Variant Classification Sherloc (09022015). Collection method: clinical testing. Allele origin: germline.
Comment: This variant has not been reported in the literature in individuals affected with KCNK4-related conditions. This variant, c.1120_1131del, results in the deletion of 4 amino acid(s) of the KCNK4 protein (p.Pro374_Pro377del), but otherwise preserves the integrity of the reading frame. This variant is not present in population databases (gnomAD no frequency). Experimental studies and prediction algorithms are not available or were not evaluated, and the functional significance of this variant is currently unknown. In summary, the available evidence is currently insufficient to determine the role of this variant in disease. Therefore, it has been classified as a Variant of Uncertain Significance.

NM_033310.3(KCNK4):c.1120_1131del (p.Pro374_Pro377del)

Genes: KCNK4 (potassium two pore domain channel subfamily K member 4; plus strand), KCNK4-CATSPERZ (KCNK4-CATSPERZ readthrough (NMD candidate); plus strand). Cytogenetic location: 11q13.1.
Variant type: Deletion.
Coding change: c.1120_1131del on transcript NM_033310.3 (MANE Select); coding-DNA positions 1120 to 1131, 12 bases deleted (CCCAGGAAGCCC).
Protein change: p.Pro374_Pro377del.
Molecular consequence: inframe deletion. On other transcripts: non-coding transcript variant (3), inframe indel (1).
Genome position (GRCh38, 1-based): chr11:64,299,664-64,299,675, CCCAGGAAGCCC deleted; deleting any 12 consecutive bases within chr11:64,299,661-64,299,675 gives the same sequence; the c. name uses the placement nearest the transcript's 3' end. VCF-style (leftmost placement, unchanged base first): chr11-64299660-TCCCCCCAGGAAG-T. GRCh37 (hg19) VCF-style: chr11-64067132-TCCCCCCAGGAAG-T.
Other names: c.1120_1131del, p.Pro374_Pro377del (NM_001317090.2); c.1120_1131delCCCAGGAAGCCC, p.Pro374_Pro377del (NM_033311.1).
Identifiers: ClinVar variation 2829210 (VCV002829210.3), dbSNP rs2495703802, ClinGen allele CA2739270498.